The following is an entry in ClinVar:

ClinVar aggregate classification (germline): Pathogenic/Likely pathogenic. Review status: criteria provided, multiple submitters, no conflicts (2 of 4 stars). 3 submissions from 3 submitters: Pathogenic (1); Likely pathogenic (1). 1 of the submissions does not count toward it. Last evaluated 2018-04-16.

Conditions:
KMT2C-related NDD.
Kleefstra syndrome 2 (KLEFS2). Identifiers: MedGen C4540395, MONDO:0054701, OMIM 617768.

Submissions (3):

SIB Swiss Institute of Bioinformatics
Classification: Likely pathogenic for Kleefstra syndrome 2. Last evaluated: 2018-04-16. Review status: criteria provided, single submitter. Criteria: ACMG Guidelines, 2015. Collection method: curation. Allele origin: germline.
Comment: This variant is interpreted as a Likely Pathogenic, for Kleefstra syndrome 2, Autosomal Dominant inheritance. The following ACMG Tag(s) were applied: PM2 => Absent from controls (or at extremely low frequency if recessive) in Exome Sequencing Project, 1000 Genomes Project, or Exome Aggregation Consortium. PVS1-Moderate => PVS1 downgraded in strength to Moderate. PM6 => Assumed de novo, but without confirmation of paternity and maternity (PMID:29069077).

Laboratory of Genetics, Children's Clinical University Hospital Latvia
Classification: Pathogenic for KMT2C-related NDD. Review status: criteria provided, single submitter. Criteria: ACMG Guidelines, 2015. Collection method: research. Allele origin: de novo. Affected: yes.

OMIM
Classification: Pathogenic for KLEEFSTRA SYNDROME 2. Last evaluated: 2017-11-14. Review status: no assertion criteria provided. Collection method: literature only. Allele origin: germline. Not counted in ClinVar's aggregate classification.

Literature cited by the submitters: PubMed 29069077 (cited by SIB Swiss Institute of Bioinformatics and OMIM); PubMed 39013459 (cited by Laboratory of Genetics, Children's Clinical University Hospital Latvia).

NM_170606.3(KMT2C):c.1690A>T (p.Lys564Ter)

Gene: KMT2C (lysine methyltransferase 2C; minus strand). Cytogenetic location: 7q36.1.
Variant type: single nucleotide variant.
Coding change: c.1690A>T on transcript NM_170606.3 (MANE Select); coding-DNA position 1690, A replaced by T.
Protein change: p.Lys564Ter; replaces lysine 564 with a stop codon.
Molecular consequence: nonsense.
Genome position (GRCh38, 1-based): chr7:152,250,898, T>A on the plus strand (A>T on the coding strand, the complement: KMT2C is on the minus strand). VCF-style: chr7-152250898-T-A. GRCh37 (hg19) VCF-style: chr7-151947983-T-A.
Other names: NM_170606.2:c.1690A>T(p.Asn564Ter); short protein forms K564*.
Identifiers: ClinVar variation 446225 (VCV000446225.2), dbSNP rs1554580083, ClinGen allele CA370083941.